The following is an entry in ClinVar:

ClinVar aggregate classification (germline): Uncertain significance (1 of 4 stars; one submission).

Conditions:
Inborn genetic diseases. Identifiers: MedGen C0950123, MeSH D030342.

Submission:

Ambry Genetics
Classification: Uncertain significance for Inborn genetic diseases. Last evaluated: 2024-09-02. Review status: criteria provided, single submitter. Criteria: Ambry Variant Classification Scheme 2023. Collection method: clinical testing. Allele origin: germline.
Comment: The p.M684L variant (also known as c.2050A>C), located in coding exon 17 of the LRRK2 gene, results from an A to C substitution at nucleotide position 2050. The methionine at codon 684 is replaced by leucine, an amino acid with highly similar properties. This amino acid position is conserved. In addition, this alteration is predicted to be tolerated by in silico analysis. Based on the available evidence, the clinical significance of this variant remains unclear.

NM_198578.4(LRRK2):c.2050A>C (p.Met684Leu)

Gene: LRRK2 (leucine rich repeat kinase 2; plus strand). Cytogenetic location: 12q12.
Variant type: single nucleotide variant.
Coding change: c.2050A>C on transcript NM_198578.4 (MANE Select); coding-DNA position 2050, A replaced by C.
Protein change: p.Met684Leu; replaces methionine 684 with leucine.
Molecular consequence: missense variant.
Genome position (GRCh38, 1-based): chr12:40,277,996, A>C. VCF-style: chr12-40277996-A-C. GRCh37 (hg19) VCF-style: chr12-40671798-A-C.
Other names: short protein forms M684L.
Identifiers: ClinVar variation 3540657 (VCV003540657.1).
Genomic context (GRCh38, chr12:40,277,996, plus strand): 5'-AAGCTGCTGGTGCATCATTCATTTGACTTAGTAATATTCCATCAAATGTCTTCCAATATC[A>C]TGGAACAAAAGGATCAACAGGTACAGTGTTTTTCACTTGCATCCTAAATGTTATGTATTT-3'
Protein context (NP_940980.4, residues 674-694): VIFHQMSSNI[Met684Leu]EQKDQQFLNL